The following is an entry in ClinVar:

ClinVar aggregate classification (germline): Uncertain significance (1 of 4 stars; one submission).

Conditions:
Hereditary cancer-predisposing syndrome. Also called: Neoplastic Syndromes, Hereditary; Hereditary Cancer Syndrome; Hereditary neoplastic syndrome; Tumor predisposition. Identifiers: Orphanet 140162, MedGen C0027672, MeSH D009386, MONDO:0015356.

Submission:

Ambry Genetics
Classification: Uncertain significance for Hereditary cancer-predisposing syndrome. Last evaluated: 2023-06-08. Review status: criteria provided, single submitter. Criteria: Ambry Variant Classification Scheme 2023. Collection method: clinical testing. Allele origin: germline.
Comment: The p.C274R variant (also known as c.820T>C), located in coding exon 9 of the SMARCE1 gene, results from a T to C substitution at nucleotide position 820. The cysteine at codon 274 is replaced by arginine, an amino acid with highly dissimilar properties. This amino acid position is highly conserved in available vertebrate species. In addition, the in silico prediction for this alteration is inconclusive. Missense and in-frame variants in SMARCE1 are known to cause neurodevelopmental disorders; however, such associations with increased risk of meningiomas are exceedingly rare (Kosho T et al. Am J Med Genet C Semin Med Genet. 2014 Sep;166C(3):262-75; Smith JM et al. Nat Genet. 2013 Mar;45(3):295-8). Based on the supporting evidence, the association of this alteration with Coffin-Siris syndrome is unknown; however, the association of this alteration with an increased risk of meningiomas is unlikely.

NM_003079.5(SMARCE1):c.820T>C (p.Cys274Arg)

Gene: SMARCE1 (SWI/SNF related BAF chromatin remodeling complex subunit E1; minus strand). Cytogenetic location: 17q21.2.
Variant type: single nucleotide variant.
Coding change: c.820T>C on transcript NM_003079.5 (MANE Select); coding-DNA position 820, T replaced by C.
Protein change: p.Cys274Arg; replaces cysteine 274 with arginine.
Molecular consequence: missense variant.
Genome position (GRCh38, 1-based): chr17:40,630,921, A>G on the plus strand (T>C on the coding strand, the complement: SMARCE1 is on the minus strand). VCF-style: chr17-40630921-A-G. GRCh37 (hg19) VCF-style: chr17-38787173-A-G.
Other names: short protein forms C274R.
Identifiers: ClinVar variation 2564319 (VCV002564319.2), dbSNP rs2508596222, ClinGen allele CA399364001.